The following is an entry in ClinVar:

ClinVar aggregate classification (germline): Uncertain significance (1 of 4 stars; one submission).

gnomAD v4.1: 1 of 1,612,784 alleles (0.000062%); highest among the groups gnomAD compares: Non-Finnish European, 0.000085%; no homozygotes.

Submission:

Labcorp Genetics (formerly Invitae), Labcorp
Classification: Uncertain significance. Last evaluated: 2022-06-28. Review status: criteria provided, single submitter. Criteria: Invitae Variant Classification Sherloc (09022015). Collection method: clinical testing. Allele origin: germline.
Comment: In summary, the available evidence is currently insufficient to determine the role of this variant in disease. Therefore, it has been classified as a Variant of Uncertain Significance. Advanced modeling of protein sequence and biophysical properties (such as structural, functional, and spatial information, amino acid conservation, physicochemical variation, residue mobility, and thermodynamic stability) performed at Invitae indicates that this missense variant is not expected to disrupt CNGB1 protein function. This variant has not been reported in the literature in individuals affected with CNGB1-related conditions. This variant is not present in population databases (gnomAD no frequency). This sequence change replaces aspartic acid, which is acidic and polar, with histidine, which is basic and polar, at codon 551 of the CNGB1 protein (p.Asp551His).

NM_001297.5(CNGB1):c.1651G>C (p.Asp551His)

Gene: CNGB1 (cyclic nucleotide gated channel subunit beta 1; minus strand). Cytogenetic location: 16q21.
Variant type: single nucleotide variant.
Coding change: c.1651G>C on transcript NM_001297.5 (MANE Select); coding-DNA position 1651, G replaced by C.
Protein change: p.Asp551His; replaces aspartic acid 551 with histidine.
Molecular consequence: missense variant.
Genome position (GRCh38, 1-based): chr16:57,920,537, C>G on the plus strand (G>C on the coding strand, the complement: CNGB1 is on the minus strand). VCF-style: chr16-57920537-C-G. GRCh37 (hg19) VCF-style: chr16-57954441-C-G.
Other names: c.1633G>C, p.Asp545His (NM_001286130.2); short protein forms D545H, D551H.
Identifiers: ClinVar variation 1502480 (VCV001502480.6), dbSNP rs2149366569, ClinGen allele CA396067011.